The following is an entry in ClinVar:

NM_001382508.1(DROSHA):c.2012A>G (p.Asp671Gly)

Gene: DROSHA (drosha ribonuclease III; minus strand). Cytogenetic location: 5p13.3.
Variant type: single nucleotide variant.
Coding change: c.2012A>G on transcript NM_001382508.1 (MANE Select); coding-DNA position 2012, A replaced by G.
Protein change: p.Asp671Gly; replaces aspartic acid 671 with glycine.
Molecular consequence: missense variant.
Genome position (GRCh38, 1-based): chr5:31,483,613, T>C on the plus strand (A>G on the coding strand, the complement: DROSHA is on the minus strand). VCF-style: chr5-31483613-T-C. GRCh37 (hg19) VCF-style: chr5-31483720-T-C.
Other names: c.1901A>G, p.Asp634Gly (NM_001100412.2); c.2012A>G, p.Asp671Gly (NM_013235.5); short protein forms D634G, D671G.
Identifiers: ClinVar variation 3347331 (VCV003347331.1).

ClinVar aggregate classification (germline): Uncertain significance (0 of 4 stars; one submission).

Conditions:
DROSHA-related disorder. Also called: DROSHA-related condition.

gnomAD v4.1: 3 of 1,609,718 alleles (0.00019%); highest among the groups gnomAD compares: Non-Finnish European, 0.00025%; no homozygotes.

Submission:

PreventionGenetics, part of Exact Sciences
Classification: Uncertain significance for DROSHA-related condition. Last evaluated: 2024-04-18. Review status: no assertion criteria provided. Collection method: clinical testing. Allele origin: germline.
Comment: The DROSHA c.2012A>G variant is predicted to result in the amino acid substitution p.Asp671Gly. To our knowledge, this variant has not been reported in the literature or in a large population database, indicating this variant is rare. At this time, the clinical significance of this variant is uncertain due to the absence of conclusive functional and genetic evidence.